The following is an entry in ClinVar:

ClinVar aggregate classification (germline): Uncertain significance (1 of 4 stars; one submission).

gnomAD v4.1: 26 of 1,546,944 alleles (0.0017%); highest among the groups gnomAD compares: Admixed American, 0.0039%; no homozygotes.

Submission:

Labcorp Genetics (formerly Invitae), Labcorp
Classification: Uncertain significance. Last evaluated: 2025-05-22. Review status: criteria provided, single submitter. Criteria: Invitae Variant Classification Sherloc (09022015). Collection method: clinical testing. Allele origin: germline.
Comment: This sequence change replaces isoleucine, which is neutral and non-polar, with valine, which is neutral and non-polar, at codon 238 of the ZSWIM6 protein (p.Ile238Val). This variant is present in population databases (no rsID available, gnomAD 0.008%). This variant has not been reported in the literature in individuals affected with ZSWIM6-related conditions. Invitae Evidence Modeling of protein sequence and biophysical properties (such as structural, functional, and spatial information, amino acid conservation, physicochemical variation, residue mobility, and thermodynamic stability) indicates that this missense variant is not expected to disrupt ZSWIM6 protein function with a negative predictive value of 80%. In summary, the available evidence is currently insufficient to determine the role of this variant in disease. Therefore, it has been classified as a Variant of Uncertain Significance.

NM_020928.2(ZSWIM6):c.712A>G (p.Ile238Val)

Gene: ZSWIM6 (zinc finger SWIM-type containing 6; plus strand). Cytogenetic location: 5q12.1.
Variant type: single nucleotide variant.
Coding change: c.712A>G on transcript NM_020928.2 (MANE Select); coding-DNA position 712, A replaced by G.
Protein change: p.Ile238Val; replaces isoleucine 238 with valine.
Molecular consequence: missense variant.
Genome position (GRCh38, 1-based): chr5:61,472,716, A>G. VCF-style: chr5-61472716-A-G. GRCh37 (hg19) VCF-style: chr5-60768543-A-G.
Other names: short protein forms I238V.
Identifiers: ClinVar variation 4748372 (VCV004748372.1).
Genomic context (GRCh38, chr5:61,472,716, plus strand): 5'-TCCCTTTCTTTCTTTCACCCTCAAGGTTTCCACTTGAGCGGCACAGTGACAGAACCTGCA[A>G]TACAATCGGAGCCAGAAACTGTTTGCAACGTGGCCATCAGCTTTGATCGTTGCAAGATTA-3'
Protein context (NP_065979.1, residues 228-248): HLSGTVTEPA[Ile238Val]QSEPETVCNV